The following is an entry in ClinVar:

ClinVar aggregate classification (germline): Uncertain significance. Review status: criteria provided, multiple submitters, no conflicts (2 of 4 stars). 2 submissions from 2 submitters: Uncertain significance (2). Last evaluated 2022-08-21.

Conditions:
KBG syndrome (KBGS). Also called: ANKRD11-Related KBG Syndrome. Identifiers: Orphanet 2332, MedGen C0220687, MONDO:0007846, OMIM 148050.

Allele frequency attached by ClinVar (database versions not stated): gnomAD 0.00001; gnomAD exomes 0.00001; ExAC 0.00002; TOPMed 0.00003; ESP Exome Variant Server 0.00008.
gnomAD v4.1: 16 of 1,613,536 alleles (0.00099%); highest among the groups gnomAD compares: African/African-American, 0.004%; no homozygotes.

Submissions (2):

Labcorp Genetics (formerly Invitae), Labcorp
Classification: Uncertain significance for KBG syndrome. Last evaluated: 2022-08-21. Review status: criteria provided, single submitter. Criteria: Invitae Variant Classification Sherloc (09022015). Collection method: clinical testing. Allele origin: germline.
Comment: This sequence change replaces serine, which is neutral and polar, with leucine, which is neutral and non-polar, at codon 429 of the ANKRD11 protein (p.Ser429Leu). This variant is present in population databases (rs370109948, gnomAD 0.003%). This variant has not been reported in the literature in individuals affected with ANKRD11-related conditions. ClinVar contains an entry for this variant (Variation ID: 1213786). Advanced modeling of protein sequence and biophysical properties (such as structural, functional, and spatial information, amino acid conservation, physicochemical variation, residue mobility, and thermodynamic stability) performed at Invitae indicates that this missense variant is not expected to disrupt ANKRD11 protein function. In summary, the available evidence is currently insufficient to determine the role of this variant in disease. Therefore, it has been classified as a Variant of Uncertain Significance.

New York Genome Center
Classification: Uncertain significance for KBG syndrome. Last evaluated: 2020-08-26. Review status: criteria provided, single submitter. Criteria: NYGC Assertion Criteria 2020. Collection method: clinical testing. Allele origin: inherited. Observed: 1 heterozygote. Study: CSER-NYCKidSeq.

NM_013275.6(ANKRD11):c.1286C>T (p.Ser429Leu)

Gene: ANKRD11 (ankyrin repeat domain 11; minus strand). Cytogenetic location: 16q24.3.
Variant type: single nucleotide variant.
Coding change: c.1286C>T on transcript NM_013275.6 (MANE Select); coding-DNA position 1286, C replaced by T.
Protein change: p.Ser429Leu; replaces serine 429 with leucine.
Molecular consequence: missense variant.
Genome position (GRCh38, 1-based): chr16:89,285,256, G>A on the plus strand (C>T on the coding strand, the complement: ANKRD11 is on the minus strand). VCF-style: chr16-89285256-G-A. GRCh37 (hg19) VCF-style: chr16-89351664-G-A.
Other names: c.1286C>T, p.Ser429Leu (NM_001256182.2, NM_001256183.2); short protein forms S429L.
Identifiers: ClinVar variation 1213786 (VCV001213786.6), dbSNP rs370109948, ClinGen allele CA8242815.